The following is an entry in ClinVar:

NM_003240.5(LEFTY2):c.938C>T (p.Pro313Leu)

Gene: LEFTY2 (left-right determination factor 2; minus strand). Cytogenetic location: 1q42.12.
Variant type: single nucleotide variant.
Coding change: c.938C>T on transcript NM_003240.5 (MANE Select); coding-DNA position 938, C replaced by T.
Protein change: p.Pro313Leu; replaces proline 313 with leucine.
Molecular consequence: missense variant.
Genome position (GRCh38, 1-based): chr1:225,937,604, G>A on the plus strand (C>T on the coding strand, the complement: LEFTY2 is on the minus strand). VCF-style: chr1-225937604-G-A. GRCh37 (hg19) VCF-style: chr1-226125304-G-A.
Other names: c.836C>T, p.Pro279Leu (NM_001172425.3); short protein forms P279L, P313L.
Identifiers: ClinVar variation 874327 (VCV000874327.8), dbSNP rs773437742, ClinGen allele CA1420445.
Genomic context (GRCh38, chr1:225,937,604, plus strand): 5'-CCCTCCTTGATGCTGACGATCATGGGCAGCGAGGCAGTCTCCGAGGCGATACACTGTCGC[G>A]GCCCCAGAAATGGCCAATTGAAGGCCAGGGCCTCCGGGGGCTGCTGGCAGGTGCCCACAC-3'
Protein context (NP_003231.2, residues 303-323): ALAFNWPFLG[Pro313Leu]RQCIASETAS

ClinVar aggregate classification (germline): Uncertain significance. Review status: criteria provided, multiple submitters, no conflicts (2 of 4 stars). 2 submissions from 2 submitters: Uncertain significance (2). Last evaluated 2023-05-21.

Conditions:
Left-right axis malformations. Identifiers: MedGen C1866091.

Allele frequency attached by ClinVar (database versions not stated): ExAC 0.00001; gnomAD exomes 0.00001; gnomAD 0.00002; TOPMed 0.00002.
gnomAD v4.1: 13 of 1,613,952 alleles (0.00081%); highest among the groups gnomAD compares: African/African-American, 0.0027%; no homozygotes.

Submissions (2):

Labcorp Genetics (formerly Invitae), Labcorp
Classification: Uncertain significance for Left-right axis malformations. Last evaluated: 2023-05-21. Review status: criteria provided, single submitter. Criteria: Invitae Variant Classification Sherloc (09022015). Collection method: clinical testing. Allele origin: germline.
Comment: This variant has not been reported in the literature in individuals affected with LEFTY2-related conditions. The frequency data for this variant in the population databases is considered unreliable, as metrics indicate poor data quality at this position in the gnomAD database. This sequence change replaces proline, which is neutral and non-polar, with leucine, which is neutral and non-polar, at codon 313 of the LEFTY2 protein (p.Pro313Leu). ClinVar contains an entry for this variant (Variation ID: 874327). In summary, the available evidence is currently insufficient to determine the role of this variant in disease. Therefore, it has been classified as a Variant of Uncertain Significance. Advanced modeling of protein sequence and biophysical properties (such as structural, functional, and spatial information, amino acid conservation, physicochemical variation, residue mobility, and thermodynamic stability) performed at Invitae indicates that this missense variant is not expected to disrupt LEFTY2 protein function.

Illumina Laboratory Services, Illumina
Classification: Uncertain significance for Left-right axis malformations. Last evaluated: 2018-01-13. Review status: criteria provided, single submitter. Criteria: ICSL Variant Classification Criteria 13 December 2019. Collection method: clinical testing. Allele origin: germline.